The following is an entry in ClinVar:

ClinVar aggregate classification (germline): Uncertain significance (1 of 4 stars; one submission).

Conditions:
Short-rib thoracic dysplasia 14 with polydactyly (SRTD14). Identifiers: Orphanet 397715, MedGen C4225286, MONDO:0014688, OMIM 616546.
Joubert syndrome 23 (JBTS23). Identifiers: Orphanet 475, MedGen C4084822, MONDO:0014664, OMIM 616490.

Submission:

Labcorp Genetics (formerly Invitae), Labcorp
Classification: Uncertain significance for Joubert syndrome 23; Short-rib thoracic dysplasia 14 with polydactyly. Last evaluated: 2022-06-15. Review status: criteria provided, single submitter. Criteria: Invitae Variant Classification Sherloc (09022015). Collection method: clinical testing. Allele origin: germline.
Comment: This sequence change replaces phenylalanine, which is neutral and non-polar, with tyrosine, which is neutral and polar, at codon 789 of the KIAA0586 protein (p.Phe789Tyr). In summary, the available evidence is currently insufficient to determine the role of this variant in disease. Therefore, it has been classified as a Variant of Uncertain Significance. Algorithms developed to predict the effect of missense changes on protein structure and function (SIFT, PolyPhen-2, Align-GVGD) all suggest that this variant is likely to be tolerated. This variant has not been reported in the literature in individuals affected with KIAA0586-related conditions. This variant is not present in population databases (gnomAD no frequency).

NM_001329943.3(KIAA0586):c.2207T>A (p.Phe736Tyr)

Gene: KIAA0586 (KIAA0586; plus strand). Cytogenetic location: 14q23.1.
Variant type: single nucleotide variant.
Coding change: c.2207T>A on transcript NM_001329943.3 (MANE Select); coding-DNA position 2207, T replaced by A.
Protein change: p.Phe736Tyr; replaces phenylalanine 736 with tyrosine.
Molecular consequence: missense variant.
Genome position (GRCh38, 1-based): chr14:58,465,982, T>A. VCF-style: chr14-58465982-T-A. GRCh37 (hg19) VCF-style: chr14-58932700-T-A.
Other names: c.2207T>A, p.Phe736Tyr (NM_001329946.2, NM_001329947.2, NM_001329944.2); c.1952T>A, p.Phe651Tyr (NM_001364700.1, NM_001364701.2, NM_001244191.2 and 1 more transcripts); c.1979T>A, p.Phe660Tyr (NM_014749.5); c.2366T>A, p.Phe789Tyr (NM_001244189.2); c.2162T>A, p.Phe721Tyr (NM_001244190.2); c.2075T>A, p.Phe692Tyr (NM_001244192.2); c.1787T>A, p.Phe596Tyr (NM_001244193.2); short protein forms F721Y, F651Y, F692Y, F736Y, F596Y, F660Y, F789Y.
Identifiers: ClinVar variation 2007201 (VCV002007201.4), dbSNP rs2543244790, ClinGen allele CA389874267.
Genomic context (GRCh38, chr14:58,465,982, plus strand): 5'-CTGTGTTACCTCATGGCGATCAGCAATATTTGTTCAGCCCAAGTAGAGAAATGCCTACTT[T>A]TTCAGGTACATTGGAAGGTCATCTGATTCCTATGGCAATTCTTTTAGGTAAGAATCAACA-3'
Protein context (NP_001316872.1, residues 726-746): LFSPSREMPT[Phe736Tyr]SGTLEGHLIP